The following is an entry in ClinVar:

NM_024741.3(ZNF408):c.97G>A (p.Gly33Arg)

Gene: ZNF408 (zinc finger protein 408; plus strand). Cytogenetic location: 11p11.2.
Variant type: single nucleotide variant.
Coding change: c.97G>A on transcript NM_024741.3 (MANE Select); coding-DNA position 97, G replaced by A.
Protein change: p.Gly33Arg; replaces glycine 33 with arginine.
Molecular consequence: missense variant.
Genome position (GRCh38, 1-based): chr11:46,701,443, G>A. VCF-style: chr11-46701443-G-A. GRCh37 (hg19) VCF-style: chr11-46722993-G-A.
Other names: c.73G>A, p.Gly25Arg (NM_001184751.2); short protein forms G25R, G33R.
Identifiers: ClinVar variation 2806655 (VCV002806655.3), dbSNP rs2502784083, ClinGen allele CA380251509.

ClinVar aggregate classification (germline): Uncertain significance (1 of 4 stars; one submission).

Allele frequency attached by ClinVar (database versions not stated): gnomAD exomes below 0.00001.

Submission:

Labcorp Genetics (formerly Invitae), Labcorp
Classification: Uncertain significance. Last evaluated: 2025-01-01. Review status: criteria provided, single submitter. Criteria: Invitae Variant Classification Sherloc (09022015). Collection method: clinical testing. Allele origin: germline.
Comment: This sequence change replaces glycine, which is neutral and non-polar, with arginine, which is basic and polar, at codon 33 of the ZNF408 protein (p.Gly33Arg). This variant is not present in population databases (gnomAD no frequency). This variant has not been reported in the literature in individuals affected with ZNF408-related conditions. ClinVar contains an entry for this variant (Variation ID: 2806655). An algorithm developed to predict the effect of missense changes on protein structure and function outputs the following: PolyPhen-2: "Benign". The arginine amino acid residue is found in multiple mammalian species, which suggests that this missense change does not adversely affect protein function. In summary, the available evidence is currently insufficient to determine the role of this variant in disease. Therefore, it has been classified as a Variant of Uncertain Significance.